The following is an entry in ClinVar:

ClinVar aggregate classification (germline): Uncertain significance (1 of 4 stars; one submission).

Submissions (2):

Labcorp Genetics (formerly Invitae), Labcorp
Classification: Uncertain significance. Last evaluated: 2024-06-11. Review status: criteria provided, single submitter. Criteria: Invitae Variant Classification Sherloc (09022015). Collection method: clinical testing. Allele origin: germline.
Comment: This sequence change replaces arginine, which is basic and polar, with serine, which is neutral and polar, at codon 727 of the COL4A2 protein (p.Arg727Ser). This variant is not present in population databases (gnomAD no frequency). This variant has not been reported in the literature in individuals affected with COL4A2-related conditions. Advanced modeling of protein sequence and biophysical properties (such as structural, functional, and spatial information, amino acid conservation, physicochemical variation, residue mobility, and thermodynamic stability) performed at Invitae indicates that this missense variant is not expected to disrupt COL4A2 protein function with a negative predictive value of 95%. In summary, the available evidence is currently insufficient to determine the role of this variant in disease. Therefore, it has been classified as a Variant of Uncertain Significance.

Dr. Peter K. Rogan Lab, Western University
No classification provided (evidence only). Condition: Thyroid cancer, nonmedullary, 1. Review status: no classification provided. Collection method: in vitro. Allele origin: not applicable. Functional consequence: retained intron. Not counted in ClinVar's aggregate classification.

NM_001846.4(COL4A2):c.2179C>A (p.Arg727Ser)

Gene: COL4A2 (collagen type IV alpha 2 chain; plus strand). Cytogenetic location: 13q34.
Variant type: single nucleotide variant.
Coding change: c.2179C>A on transcript NM_001846.4 (MANE Select); coding-DNA position 2179, C replaced by A.
Protein change: p.Arg727Ser; replaces arginine 727 with serine.
Molecular consequence: missense variant.
Genome position (GRCh38, 1-based): chr13:110,469,300, C>A. VCF-style: chr13-110469300-C-A. GRCh37 (hg19) VCF-style: chr13-111121647-C-A.
Other names: short protein forms R727S.
Identifiers: ClinVar variation 3656278 (VCV003656278.3).